The following is an entry in ClinVar:

NM_000540.3(RYR1):c.2075C>T (p.Thr692Ile)

Gene: RYR1 (ryanodine receptor 1; plus strand). Cytogenetic location: 19q13.2.
Variant type: single nucleotide variant.
Coding change: c.2075C>T on transcript NM_000540.3 (MANE Select); coding-DNA position 2075, C replaced by T.
Protein change: p.Thr692Ile; replaces threonine 692 with isoleucine.
Molecular consequence: missense variant.
Genome position (GRCh38, 1-based): chr19:38,458,200, C>T. VCF-style: chr19-38458200-C-T. GRCh37 (hg19) VCF-style: chr19-38948840-C-T.
Other names: c.2075C>T, p.Thr692Ile (NM_001042723.2); short protein forms T692I.
Identifiers: ClinVar variation 224369 (VCV000224369.7), dbSNP rs869312735, ClinGen allele CA353457.
Genomic context (GRCh38, chr19:38,458,200, plus strand): 5'-CATTTCTGACAGCTCAGGCCACCCACTTGCGGGTGGGCTGGGCCCTCACCGAGGGCTACA[C>T]CCCCTACCCTGGGGCCGGCGAGGGCTGGGGCGGCAACGGGGTCGGCGATGACCTCTATTC-3'
Protein context (NP_000531.2, residues 682-702): RVGWALTEGY[Thr692Ile]PYPGAGEGWG

ClinVar aggregate classification (germline): Uncertain significance. Review status: criteria provided, multiple submitters, no conflicts (2 of 4 stars). 3 submissions from 3 submitters: Uncertain significance (3). Last evaluated 2021-09-08.

Conditions:
RYR1-related disorder. Also called: RYR1-related disorders; RYR1-related condition. Identifiers: MedGen CN239331.
Malignant hyperthermia, susceptibility to, 1 (MHS1). Also called: Malignant hyperthermia suceptibility 1; RYR1-Related Malignant Hyperthermia Susceptibility; Anesthesia related hyperthermia; Malignant hyperpyrexia; Fulminating hyperpyrexia; Pharmacogenic myopathy. Identifiers: Orphanet 423, MedGen C2930980, MONDO:0007783, OMIM 145600.

Allele frequency attached by ClinVar (database versions not stated): TOPMed below 0.00001.
gnomAD v4.1: 5 of 1,613,938 alleles (0.00031%); highest among the groups gnomAD compares: Non-Finnish European, 0.00034%; no homozygotes.

Submissions (3):

Labcorp Genetics (formerly Invitae), Labcorp
Classification: Uncertain significance for RYR1-related disorder. Last evaluated: 2021-09-08. Review status: criteria provided, single submitter. Criteria: Invitae Variant Classification Sherloc (09022015). Collection method: clinical testing. Allele origin: germline.
Comment: This sequence change replaces threonine with isoleucine at codon 692 of the RYR1 protein (p.Thr692Ile). The threonine residue is weakly conserved and there is a moderate physicochemical difference between threonine and isoleucine. This variant is not present in population databases (ExAC no frequency). This variant has not been reported in the literature in individuals affected with RYR1-related conditions. ClinVar contains an entry for this variant (Variation ID: 224369). Algorithms developed to predict the effect of missense changes on protein structure and function are either unavailable or do not agree on the potential impact of this missense change (SIFT: "Deleterious"; PolyPhen-2: "Benign"; Align-GVGD: "Class C0"). In summary, the available evidence is currently insufficient to determine the role of this variant in disease. Therefore, it has been classified as a Variant of Uncertain Significance.

PreventionGenetics, part of Exact Sciences
Classification: Uncertain significance. Last evaluated: 2016-05-31. Review status: criteria provided, single submitter. Criteria: ACMG Guidelines, 2015. Collection method: clinical testing. Allele origin: germline.

Biesecker Lab/Clinical Genomics Section, National Institutes of Health
Classification: Uncertain significance for Malignant hyperthermia, susceptibility to, 1. Last evaluated: 2013-07-01. Review status: criteria provided, single submitter. Criteria: Gonsalves et al. 2013. Collection method: research. Allele origin: unknown. Observed: 1 variant allele. Study: ClinSeq.
Comment: The study set was not selected for affection status in relation to any myopathy. Pathogenicity categories were based on literature curation. See Pubmed ID: 24195946 for details.